The following is an entry in ClinVar:

ClinVar aggregate classification (germline): Uncertain significance (1 of 4 stars; one submission).

gnomAD v4.1: 2 of 1,544,668 alleles (0.00013%); highest among the groups gnomAD compares: Middle Eastern, 0.023%; no homozygotes.

Submission:

Labcorp Genetics (formerly Invitae), Labcorp
Classification: Uncertain significance. Last evaluated: 2023-05-08. Review status: criteria provided, single submitter. Criteria: Invitae Variant Classification Sherloc (09022015). Collection method: clinical testing. Allele origin: germline.
Comment: ClinVar contains an entry for this variant (Variation ID: 1983848). This sequence change replaces proline, which is neutral and non-polar, with serine, which is neutral and polar, at codon 2040 of the DSCAML1 protein (p.Pro2040Ser). This variant is not present in population databases (gnomAD no frequency). This variant has not been reported in the literature in individuals affected with DSCAML1-related conditions. An algorithm developed to predict the effect of missense changes on protein structure and function (PolyPhen-2) suggests that this variant is likely to be tolerated. In summary, the available evidence is currently insufficient to determine the role of this variant in disease. Therefore, it has been classified as a Variant of Uncertain Significance.

NM_020693.4(DSCAML1):c.5938C>T (p.Pro1980Ser)

Gene: DSCAML1 (DS cell adhesion molecule like 1; minus strand). Cytogenetic location: 11q23.3.
Variant type: single nucleotide variant.
Coding change: c.5938C>T on transcript NM_020693.4 (MANE Select); coding-DNA position 5938, C replaced by T.
Protein change: p.Pro1980Ser; replaces proline 1980 with serine.
Molecular consequence: missense variant.
Genome position (GRCh38, 1-based): chr11:117,428,552, G>A on the plus strand (C>T on the coding strand, the complement: DSCAML1 is on the minus strand). VCF-style: chr11-117428552-G-A. GRCh37 (hg19) VCF-style: chr11-117299268-G-A.
Other names: short protein forms P1980S.
Identifiers: ClinVar variation 1983848 (VCV001983848.4), dbSNP rs750034909, ClinGen allele CA382751116.